The following is an entry in ClinVar:

ClinVar aggregate classification (germline): Uncertain significance (1 of 4 stars; one submission).

Allele frequency attached by ClinVar (database versions not stated): ExAC 0.00001; gnomAD 0.00001; gnomAD exomes 0.00001; TOPMed 0.00002.
gnomAD v4.1: 24 of 1,613,802 alleles (0.0015%); highest among the groups gnomAD compares: African/African-American, 0.0027%; no homozygotes.

Submission:

Labcorp Genetics (formerly Invitae), Labcorp
Classification: Uncertain significance. Last evaluated: 2022-03-02. Review status: criteria provided, single submitter. Criteria: Invitae Variant Classification Sherloc (09022015). Collection method: clinical testing. Allele origin: germline.
Comment: This sequence change replaces arginine, which is basic and polar, with cysteine, which is neutral and slightly polar, at codon 406 of the GGCX protein (p.Arg406Cys). In summary, the available evidence is currently insufficient to determine the role of this variant in disease. Therefore, it has been classified as a Variant of Uncertain Significance. Algorithms developed to predict the effect of missense changes on protein structure and function are either unavailable or do not agree on the potential impact of this missense change (SIFT: "Deleterious"; PolyPhen-2: "Probably Damaging"; Align-GVGD: "Class C0"). This variant has not been reported in the literature in individuals affected with GGCX-related conditions. This variant is not present in population databases (gnomAD no frequency).

NM_000821.7(GGCX):c.1216C>T (p.Arg406Cys)

Gene: GGCX (gamma-glutamyl carboxylase; minus strand). Cytogenetic location: 2p11.2.
Variant type: single nucleotide variant.
Coding change: c.1216C>T on transcript NM_000821.7 (MANE Select); coding-DNA position 1216, C replaced by T.
Protein change: p.Arg406Cys; replaces arginine 406 with cysteine.
Molecular consequence: missense variant.
Genome position (GRCh38, 1-based): chr2:85,553,010, G>A on the plus strand (C>T on the coding strand, the complement: GGCX is on the minus strand). VCF-style: chr2-85553010-G-A. GRCh37 (hg19) VCF-style: chr2-85780133-G-A.
Other names: c.1045C>T, p.Arg349Cys (NM_001142269.4); short protein forms R349C, R406C.
Identifiers: ClinVar variation 1929955 (VCV001929955.3), dbSNP rs746786420, ClinGen allele CA1741892.
Genomic context (GRCh38, chr2:85,553,010, plus strand): 5'-GGTAGCCCAGTTCGCCAGTGCGGCCATCACGGTAGGTGATCTTCACGTGCTGGTGGGAGC[G>A]GGAGTGCACCATCATGTCCCAGGAATAGCCATACAGCCCATTTGTCCAGTTGTTATAGCC-3'
Protein context (NP_000812.2, residues 396-416): GYSWDMMVHS[Arg406Cys]SHQHVKITYR